The following is an entry in ClinVar:

NM_001378778.1(MPDZ):c.47G>A (p.Arg16His)

Gene: MPDZ (multiple PDZ domain crumbs cell polarity complex component; minus strand). Cytogenetic location: 9p23.
Variant type: single nucleotide variant.
Coding change: c.47G>A on transcript NM_001378778.1 (MANE Select); coding-DNA position 47, G replaced by A.
Protein change: p.Arg16His; replaces arginine 16 with histidine.
Molecular consequence: missense variant.
Genome position (GRCh38, 1-based): chr9:13,247,771, C>T on the plus strand (G>A on the coding strand, the complement: MPDZ is on the minus strand). VCF-style: chr9-13247771-C-T. GRCh37 (hg19) VCF-style: chr9-13247770-C-T.
Other names: c.47G>A, p.Arg16His (NM_001261406.2, NM_001261407.2, NM_001330637.2 and 14 more transcripts); short protein forms R16H.
Identifiers: ClinVar variation 1367938 (VCV001367938.6), dbSNP rs557951656, ClinGen allele CA4988255.

ClinVar aggregate classification (germline): Uncertain significance (1 of 4 stars; one submission).

Allele frequency attached by ClinVar (database versions not stated): gnomAD 0.00001; TOPMed 0.00002; gnomAD exomes 0.00003 and 0.00008; ExAC 0.00013; 1000 Genomes Project 30x 0.00016; 1000 Genomes Project 0.00020.
gnomAD v4.1: 39 of 1,611,442 alleles (0.0024%); highest among the groups gnomAD compares: South Asian, 0.0033%; no homozygotes.

Submission:

Labcorp Genetics (formerly Invitae), Labcorp
Classification: Uncertain significance. Last evaluated: 2021-10-28. Review status: criteria provided, single submitter. Criteria: Invitae Variant Classification Sherloc (09022015). Collection method: clinical testing. Allele origin: germline.
Comment: This sequence change replaces arginine, which is basic and polar, with histidine, which is basic and polar, at codon 16 of the MPDZ protein (p.Arg16His). This variant is present in population databases (rs557951656, gnomAD 0.01%). This variant has not been reported in the literature in individuals affected with MPDZ-related conditions. Algorithms developed to predict the effect of missense changes on protein structure and function (SIFT, PolyPhen-2, Align-GVGD) all suggest that this variant is likely to be disruptive. In summary, the available evidence is currently insufficient to determine the role of this variant in disease. Therefore, it has been classified as a Variant of Uncertain Significance.